The following is an entry in ClinVar:

NM_015404.4(WHRN):c.343T>C (p.Tyr115His)

Gene: WHRN (whirlin; minus strand). Cytogenetic location: 9q32.
Variant type: single nucleotide variant.
Coding change: c.343T>C on transcript NM_015404.4 (MANE Select); coding-DNA position 343, T replaced by C.
Protein change: p.Tyr115His; replaces tyrosine 115 with histidine.
Molecular consequence: missense variant.
Genome position (GRCh38, 1-based): chr9:114,504,459, A>G on the plus strand (T>C on the coding strand, the complement: WHRN is on the minus strand). VCF-style: chr9-114504459-A-G. GRCh37 (hg19) VCF-style: chr9-117266739-A-G.
Other names: c.343T>C, p.Tyr115His (NM_001173425.2); short protein forms Y115H.
Identifiers: ClinVar variation 4084730 (VCV004084730.8).
Genomic context (GRCh38, chr9:114,504,459, plus strand): 5'-GCCCCGCGCTGTCGGGGCCGCCCCAGGCGGGCTGCCTGTAGGGGGTGGTGGCGGGCAGGT[A>G]GAGGCCCTCGGCCGTGTATTGGTCGAAGAGCAGCTGGTCGGAGCGCGGGATGACCAGACG-3'
Protein context (NP_056219.3, residues 105-125): LFDQYTAEGL[Tyr115His]LPATTPYRQP

ClinVar aggregate classification (germline): Uncertain significance (1 of 4 stars; one submission).

gnomAD v4.1: 17 of 1,607,668 alleles (0.0011%); highest among the groups gnomAD compares: Non-Finnish European, 0.0014%; no homozygotes.

Submission:

CeGaT Center for Human Genetics Tuebingen
Classification: Uncertain significance. Last evaluated: 2025-06-01. Review status: criteria provided, single submitter. Criteria: CeGaT Center For Human Genetics Tuebingen Variant Classification Criteria Version 2. Collection method: clinical testing. Allele origin: germline. Affected: yes. Observed: 1 variant allele.
Comment: WHRN: PM2